The following is an entry in ClinVar:

NM_000245.4(MET):c.1827C>A (p.Ser609Arg)

Gene: MET (MET proto-oncogene, receptor tyrosine kinase; plus strand). Cytogenetic location: 7q31.2.
Variant type: single nucleotide variant.
Coding change: c.1827C>A on transcript NM_000245.4 (MANE Select); coding-DNA position 1827, C replaced by A.
Protein change: p.Ser609Arg; replaces serine 609 with arginine.
Molecular consequence: missense variant.
Genome position (GRCh38, 1-based): chr7:116,755,480, C>A. VCF-style: chr7-116755480-C-A. GRCh37 (hg19) VCF-style: chr7-116395534-C-A.
Other names: c.1827C>A, p.Ser609Arg (NM_001127500.3, NM_001324401.3); c.537C>A, p.Ser179Arg (NM_001324402.2); short protein forms S179R, S609R.
Identifiers: ClinVar variation 2579873 (VCV002579873.1), dbSNP rs2116910568, ClinGen allele CA368978170.
Genomic context (GRCh38, chr7:116,755,480, plus strand): 5'-ATTTCGGAGGAATAATAAATTTGATTTAAAGAAAACTAGAGTTCTCCTTGGAAATGAGAG[C>A]TGCACCTTGACTTTAAGTGAGAGCACGATGAATACGTAAGGATCTTAAAATGCTTTGCTG-3'
Protein context (NP_000236.2, residues 599-619): KKTRVLLGNE[Ser609Arg]CTLTLSESTM

ClinVar aggregate classification (germline): Uncertain significance (1 of 4 stars; one submission).

Submission:

GeneDx
Classification: Uncertain significance. Last evaluated: 2023-03-10. Review status: criteria provided, single submitter. Criteria: GeneDx Variant Classification Process June 2021. Collection method: clinical testing. Allele origin: germline. Affected: yes.
Comment: Not observed at significant frequency in large population cohorts (gnomAD); In silico analysis supports that this missense variant does not alter protein structure/function; Has not been previously published as pathogenic or benign to our knowledge